The following is an entry in ClinVar:

ClinVar aggregate classification (germline): Uncertain significance (1 of 4 stars; one submission).

Conditions:
Methylmalonic aciduria due to methylmalonyl-CoA mutase deficiency (MAMM). Also called: Methylmalonic aciduria, mut type. Identifiers: Orphanet 27, MedGen C1855114, MONDO:0009612, OMIM 251000.

Allele frequency attached by ClinVar (database versions not stated): gnomAD exomes below 0.00001.
gnomAD v4.1: 1 of 1,613,910 alleles (0.000062%); highest among the groups gnomAD compares: East Asian, 0.0022%; no homozygotes.

Submission:

Neuberg Centre For Genomic Medicine, NCGM
Classification: Uncertain significance for Methylmalonic aciduria due to methylmalonyl-CoA mutase deficiency. Review status: criteria provided, single submitter. Criteria: ACMG Guidelines, 2015. Collection method: clinical testing. Allele origin: germline. Affected: yes.
Comment: The missense variant p.F199V in MUT (NM_000255.4) has not been reported previously as a pathogenic variant nor as a benign variant, to our knowledge. The p.F199V variant is novel (not in any individuals) in gnomAD Exomes and is novel (not in any individuals) in 1000 Genomes. The p.F199V missense variant is predicted to be damaging by both SIFT and PolyPhen2. The phenylalanine residue at codon 199 of MUT is conserved in all mammalian species. The nucleotide c.595 in MUT is predicted conserved by GERP++ and PhyloP across 100 vertebrates. For these reasons, this variant has been classified as Uncertain Significance

NM_000255.4(MMUT):c.595T>G (p.Phe199Val)

Gene: MMUT (methylmalonyl-CoA mutase; minus strand). Cytogenetic location: 6p12.3.
Variant type: single nucleotide variant.
Coding change: c.595T>G on transcript NM_000255.4 (MANE Select); coding-DNA position 595, T replaced by G.
Protein change: p.Phe199Val; replaces phenylalanine 199 with valine.
Molecular consequence: missense variant.
Genome position (GRCh38, 1-based): chr6:49,457,849, A>C on the plus strand (T>G on the coding strand, the complement: MMUT is on the minus strand). VCF-style: chr6-49457849-A-C. GRCh37 (hg19) VCF-style: chr6-49425562-A-C.
Other names: short protein forms F199V.
Identifiers: ClinVar variation 1339246 (VCV001339246.2), dbSNP rs2127419986, ClinGen allele CA364404390.